The following is an entry in ClinVar:

NM_000051.4(ATM):c.8010+6T>C

Genes: ATM (ATM serine/threonine kinase; plus strand), C11orf65 (chromosome 11 open reading frame 65; minus strand). Cytogenetic location: 11q22.3.
Variant type: single nucleotide variant.
Coding change: c.8010+6T>C on transcript NM_000051.4 (MANE Select); 6 bases into the intron after coding-DNA position 8010, T replaced by C.
Molecular consequence: intron variant.
Genome position (GRCh38, 1-based): chr11:108,333,974, T>C. VCF-style: chr11-108333974-T-C. GRCh37 (hg19) VCF-style: chr11-108204701-T-C.
Other names: c.8010+6T>C (NM_001351834.2); c.641-24903A>G (NM_001330368.2); c.*38+1246A>G (NM_001351110.2).
Identifiers: ClinVar variation 857393 (VCV000857393.10), dbSNP rs2086559039, ClinGen allele CA916080464.
Genomic context (GRCh38, chr11:108,333,974, plus strand): 5'-AATTACTAAACTTAAGAATTTAGAAGATGTTGTTGTCCCTACTATGGAAATTAAGGTAAT[T>C]TGCAATTAACTCTTGATTTTTTTTAAACTAAATTTTTTTTATTAGATTGAACCATTTGAA-3'

ClinVar aggregate classification (germline): Uncertain significance (1 of 4 stars; one submission).

Conditions:
Ataxia-telangiectasia syndrome (AT). Also called: ATAXIA-TELANGIECTASIA, COMPLEMENTATION GROUP A; ATAXIA-TELANGIECTASIA, FRESNO VARIANT; Ataxia-telangiectasia; Ataxia-telangiectasia, complementation group D; AT, COMPLEMENTATION GROUP C; Ataxia-telangiectasia, complementation group E. Identifiers: Orphanet 100, MedGen C0004135, MONDO:0008840, OMIM 208900.

Submission:

Labcorp Genetics (formerly Invitae), Labcorp
Classification: Uncertain significance for Ataxia-telangiectasia syndrome. Last evaluated: 2025-08-11. Review status: criteria provided, single submitter. Criteria: Invitae Variant Classification Sherloc (09022015). Collection method: clinical testing. Allele origin: germline.
Comment: This sequence change falls in intron 54 of the ATM gene. It does not directly change the encoded amino acid sequence of the ATM protein. It affects a nucleotide within the consensus splice site. This variant is not present in population databases (gnomAD no frequency). This variant has not been reported in the literature in individuals affected with ATM-related conditions. ClinVar contains an entry for this variant (Variation ID: 857393). Variants that disrupt the consensus splice site are a relatively common cause of aberrant splicing (PMID: 17576681, 9536098). Algorithms developed to predict the effect of sequence changes on RNA splicing suggest that this variant is not likely to affect RNA splicing. In summary, the available evidence is currently insufficient to determine the role of this variant in disease. Therefore, it has been classified as a Variant of Uncertain Significance.

Literature cited by the submitters: PubMed 17576681; PubMed 9536098.